The following is an entry in ClinVar:

ClinVar aggregate classification (germline): Uncertain significance (1 of 4 stars; one submission).

Conditions:
Lynch syndrome 8 (LYNCH8). Also called: Colorectal cancer, hereditary nonpolyposis, type 8. Identifiers: Orphanet 144, MedGen C2750471, MONDO:0013196, OMIM 613244.

Submission:

St. Jude Molecular Pathology, St. Jude Children's Research Hospital
Classification: Uncertain significance for Lynch syndrome 8. Last evaluated: 2022-01-27. Review status: criteria provided, single submitter. Criteria: St. Jude Assertion Criteria 2020. Collection method: clinical testing. Allele origin: germline.
Comment: The EPCAM c.344T>A (p.Met115Lys) missense variant is absent in gnomAD v2.1.1 (PM2_Supporting ). Six of seven in silico tools predict a benign effect of this variant on protein function (BP4), but to our knowledge these predictions have not been confirmed by functional assays. To our knowledge, this variant has not been reported in individuals with Lynch syndrome. In summary, this variant meets criteria to be classified as of uncertain significance based on the ACMG/AMP criteria: PM2_Supporting, BP4.

NM_002354.3(EPCAM):c.344T>A (p.Met115Lys)

Gene: EPCAM (epithelial cell adhesion molecule; plus strand). Cytogenetic location: 2p21.
Variant type: single nucleotide variant.
Coding change: c.344T>A on transcript NM_002354.3 (MANE Select); coding-DNA position 344, T replaced by A.
Protein change: p.Met115Lys; replaces methionine 115 with lysine.
Molecular consequence: missense variant.
Genome position (GRCh38, 1-based): chr2:47,373,967, T>A. VCF-style: chr2-47373967-T-A. GRCh37 (hg19) VCF-style: chr2-47601106-T-A.
Other names: short protein forms M115K.
Identifiers: ClinVar variation 1691520 (VCV001691520.4), dbSNP rs1126497, ClinGen allele CA346723280.